The following is an entry in ClinVar:

ClinVar aggregate classification (germline): Likely benign (0 of 4 stars; one submission).

Conditions:
MTMR8-related disorder. Also called: MTMR8-related condition.

Allele frequency attached by ClinVar (database versions not stated): TOPMed 0.00008; ESP Exome Variant Server 0.00009; gnomAD exomes 0.00014; gnomAD 0.00016; ExAC 0.00021; 1000 Genomes Project 0.00079; 1000 Genomes Project 30x 0.00104.
gnomAD v4.1: 167 of 1,207,584 alleles (0.014%); highest among the groups gnomAD compares: South Asian, 0.037%; no homozygotes.

Submission:

PreventionGenetics, part of Exact Sciences
Classification: Likely benign for MTMR8-related condition. Last evaluated: 2019-02-21. Review status: no assertion criteria provided. Collection method: clinical testing. Allele origin: germline.
Comment: This variant is classified as likely benign based on ACMG/AMP sequence variant interpretation guidelines (Richards et al. 2015 PMID: 25741868, with internal and published modifications).

NM_017677.4(MTMR8):c.232C>T (p.Arg78Trp)

Gene: MTMR8 (myotubularin related protein 8; minus strand). Cytogenetic location: Xq11.2.
Variant type: single nucleotide variant.
Coding change: c.232C>T on transcript NM_017677.4 (MANE Select); coding-DNA position 232, C replaced by T.
Protein change: p.Arg78Trp; replaces arginine 78 with tryptophan.
Molecular consequence: missense variant.
Genome position (GRCh38, 1-based): chrX:64,356,254, G>A on the plus strand (C>T on the coding strand, the complement: MTMR8 is on the minus strand). VCF-style: chrX-64356254-G-A. GRCh37 (hg19) VCF-style: chrX-63576134-G-A.
Other names: short protein forms R78W.
Identifiers: ClinVar variation 3046154 (VCV003046154.2), dbSNP rs142863085, ClinGen allele CA10433247.